The following is an entry in ClinVar:

NM_000079.4(CHRNA1):c.540+4G>C

Gene: CHRNA1 (cholinergic receptor nicotinic alpha 1 subunit; minus strand). Cytogenetic location: 2q31.1.
Variant type: single nucleotide variant.
Coding change: c.540+4G>C on transcript NM_000079.4 (MANE Select); 4 bases into the intron after coding-DNA position 540, G replaced by C.
Molecular consequence: intron variant.
Genome position (GRCh38, 1-based): chr2:174,754,215, C>G on the plus strand (G>C on the coding strand, the complement: CHRNA1 is on the minus strand). VCF-style: chr2-174754215-C-G. GRCh37 (hg19) VCF-style: chr2-175618943-C-G.
Other names: p.?; c.615+4G>C (NM_001039523.3).
Identifiers: ClinVar variation 128734 (VCV000128734.22), dbSNP rs112674580, ClinGen allele CA152375.

ClinVar aggregate classification (germline): Benign. Review status: criteria provided, multiple submitters, no conflicts (2 of 4 stars). 9 submissions from 8 submitters: Benign (8). 1 of the submissions does not count toward it. Last evaluated 2026-01-27.

Conditions:
Congenital myasthenic syndrome (CMS). Also called: Congenital Myasthenic Syndromes. Identifiers: Orphanet 590, MedGen C0751882, MeSH D020294, MONDO:0018940.
Lethal multiple pterygium syndrome (LMPS). Identifiers: Orphanet 33108, MedGen C1854678, MONDO:0009668, OMIM 253290.

Allele frequency attached by ClinVar (database versions not stated): 1000 Genomes Project 0.01717; gnomAD 0.01772 and 0.01914; ESP Exome Variant Server 0.01984; TOPMed 0.02000; 1000 Genomes Project 30x 0.02030.
gnomAD v4.1: 5,075 of 1,613,022 alleles (0.31%); highest among the groups gnomAD compares: African/African-American, 6%; 139 homozygotes.

Submissions (9):

Labcorp Genetics (formerly Invitae), Labcorp
Classification: Benign for Lethal multiple pterygium syndrome. Last evaluated: 2026-01-27. Review status: criteria provided, single submitter. Criteria: Invitae Variant Classification Sherloc (09022015). Collection method: clinical testing. Allele origin: germline.

Illumina Laboratory Services, Illumina
Classification: Benign for Congenital myasthenic syndrome. Last evaluated: 2018-01-13. Review status: criteria provided, single submitter. Criteria: ICSL Variant Classification Criteria 13 December 2019. Collection method: clinical testing. Allele origin: germline.
Comment: This variant was observed in the ICSL laboratory as part of a predisposition screen in an ostensibly healthy population. It had not been previously curated by ICSL or reported in the Human Gene Mutation Database (HGMD: prior to June 1st, 2018), and was therefore a candidate for classification through an automated scoring system. Utilizing variant allele frequency, disease prevalence and penetrance estimates, and inheritance mode, an automated score was calculated to assess if this variant is too frequent to cause the disease. Based on the score and internal cut-off values, a variant classified as benign is not then subjected to further curation. The score for this variant resulted in a classification of benign for this disease.

Illumina Laboratory Services, Illumina
Classification: Benign for Lethal multiple pterygium syndrome. Last evaluated: 2018-01-13. Review status: criteria provided, single submitter. Criteria: ICSL Variant Classification Criteria 13 December 2019. Collection method: clinical testing. Allele origin: germline.
Comment: the same text as in the submission from Illumina Laboratory Services, Illumina above.

Mayo Clinic Laboratories, Mayo Clinic
Classification: Benign. Last evaluated: 2017-10-11. Review status: criteria provided, single submitter. Criteria: ACMG Guidelines, 2015. Collection method: clinical testing. Allele origin: germline. Observed: 4 variant alleles.

Athena Diagnostics
Classification: Benign. Last evaluated: 2017-07-25. Review status: criteria provided, single submitter. Criteria: Athena Diagnostics Criteria. Collection method: clinical testing. Allele origin: germline.

GeneDx
Classification: Benign. Last evaluated: 2016-10-26. Review status: criteria provided, single submitter. Criteria: GeneDx Variant Classification (06012015). Collection method: clinical testing. Allele origin: germline. Affected: yes.
Comment: This variant is considered likely benign or benign based on one or more of the following criteria: it is a conservative change, it occurs at a poorly conserved position in the protein, it is predicted to be benign by multiple in silico algorithms, and/or has population frequency not consistent with disease.

Breakthrough Genomics
Classification: Benign. Review status: criteria provided, single submitter. Criteria: ACMG Guidelines, 2015. Collection method: not provided. Allele origin: germline. Inheritance: Autosomal recessive inheritance. Affected: yes.

PreventionGenetics, part of Exact Sciences
Classification: Benign. Review status: criteria provided, single submitter. Criteria: ACMG Guidelines, 2015. Collection method: clinical testing. Allele origin: germline.

Genetic Services Laboratory, University of Chicago
Classification: Likely benign for AllHighlyPenetrant. Review status: no assertion criteria provided. Collection method: clinical testing. Allele origin: germline. Not counted in ClinVar's aggregate classification.
Comment: Likely benign based on allele frequency in 1000 Genomes Project or ESP global frequency and its presence in a patient with a rare or unrelated disease phenotype. NOT Sanger confirmed.